The following is an entry in ClinVar:

NM_024426.6(WT1):c.510C>G (p.Ser170=)

Genes: WT1 (WT1 transcription factor; minus strand), LOC107982234 (WT1/WT1-AS bi-directional promoter region; plus strand). Cytogenetic location: 11p13.
Variant type: single nucleotide variant.
Coding change: c.510C>G on transcript NM_024426.6 (MANE Select); coding-DNA position 510, C replaced by G.
Protein change: p.Ser170=; no amino-acid change (serine 170 retained).
Molecular consequence: synonymous variant. On other transcripts: non-coding transcript variant (1).
Genome position (GRCh38, 1-based): chr11:32,434,851, G>C on the plus strand (C>G on the coding strand, the complement: WT1 is on the minus strand). VCF-style: chr11-32434851-G-C. GRCh37 (hg19) VCF-style: chr11-32456397-G-C.
Other names: c.510C>G, p.Ser170= (NM_000378.6, NM_024424.5).
Identifiers: ClinVar variation 1577811 (VCV001577811.16), dbSNP rs772890986, ClinGen allele CA473571577.

ClinVar aggregate classification (germline): Likely benign. Review status: criteria provided, multiple submitters, no conflicts (2 of 4 stars). 2 submissions from 2 submitters: Likely benign (2). Last evaluated 2025-08-01.

Conditions:
Frasier syndrome. Identifiers: Orphanet 347, MedGen C0950122, MeSH D052159, MONDO:0007635, OMIM 136680.
Drash syndrome (DDS). Also called: NEPHROPATHY, WILMS TUMOR, AND GENITAL ANOMALIES; WILMS TUMOR AND PSEUDO- OR TRUE HERMAPHRODITISM. Identifiers: Orphanet 220, MedGen C0950121, MONDO:0008682, OMIM 194080.
Wilms tumor 1 (WT1). Also called: Wilms tumor, somatic. Identifiers: Orphanet 654, MedGen CN033288, MONDO:0008679, OMIM 194070.
11p partial monosomy syndrome (WAGR). Also called: WAGR Spectrum Disorder; CHROMOSOME 11p13 DELETION SYNDROME; WAGR syndrome; WAGR Complex. Identifiers: Orphanet 893, MedGen C0206115, MONDO:0008681, OMIM 194072.

Submissions (2):

CeGaT Center for Human Genetics Tuebingen
Classification: Likely benign. Last evaluated: 2025-08-01. Review status: criteria provided, single submitter. Criteria: CeGaT Center For Human Genetics Tuebingen Variant Classification Criteria Version 2. Collection method: clinical testing. Allele origin: germline. Affected: yes. Observed: 1 variant allele.
Comment: WT1: PM2:Supporting, BP4, BP7

Labcorp Genetics (formerly Invitae), Labcorp
Classification: Likely benign for Wilms tumor 1; Drash syndrome; 11p partial monosomy syndrome; Frasier syndrome. Last evaluated: 2022-11-15. Review status: criteria provided, single submitter. Criteria: Invitae Variant Classification Sherloc (09022015). Collection method: clinical testing. Allele origin: germline.